The following is an entry in ClinVar:

NM_002439.5(MSH3):c.2199dup (p.Arg734fs)

Gene: MSH3 (mutS homolog 3; plus strand). Cytogenetic location: 5q14.1.
Variant type: Duplication.
Coding change: c.2199dup on transcript NM_002439.5 (MANE Select); coding-DNA position 2199, one base duplicated (A; older notation c.2199dupA).
Protein change: p.Arg734fs; shifts the reading frame from arginine 734.
Molecular consequence: frameshift variant.
Genome position (GRCh38, 1-based): chr5:80,768,949, A duplicated. VCF-style (leftmost placement, unchanged base first): chr5-80768948-T-TA. GRCh37 (hg19) VCF-style: chr5-80064767-T-TA.
Other names: c.2199dupA (NM_002439.3); short protein forms R734fs.
Identifiers: ClinVar variation 4705946 (VCV004705946.3).

ClinVar aggregate classification (germline): Pathogenic. Review status: criteria provided, multiple submitters, no conflicts (2 of 4 stars). 3 submissions from 3 submitters: Pathogenic (3). Last evaluated 2026-03-31.

Conditions:
Hereditary cancer-predisposing syndrome. Also called: Neoplastic Syndromes, Hereditary; Tumor predisposition; Hereditary Cancer Syndrome; Hereditary neoplastic syndrome. Identifiers: Orphanet 140162, MedGen C0027672, MeSH D009386, MONDO:0015356.
Familial adenomatous polyposis 4 (FAP4). Also called: MSH3-related attenuated familial adenomatous polyposis. Identifiers: Orphanet 480536, MedGen C4310719, MONDO:0044300, OMIM 617100.

Submissions (3):

Ambry Genetics
Classification: Pathogenic for Hereditary cancer-predisposing syndrome. Last evaluated: 2026-03-31. Review status: criteria provided, single submitter. Criteria: Ambry Variant Classification Scheme 2023. Collection method: clinical testing. Allele origin: germline.
Comment: The c.2199dupA pathogenic mutation, located in coding exon 15 of the MSH3 gene, results from a duplication of A at nucleotide position 2199, causing a translational frameshift with a predicted alternate stop codon (p.R734Tfs*34). This variant is considered to be rare based on population cohorts in the Genome Aggregation Database (gnomAD). This alteration is expected to result in loss of function by premature protein truncation or nonsense-mediated mRNA decay. As such, this alteration is interpreted as a disease-causing mutation.

Myriad Genetics, Inc.
Classification: Pathogenic for Familial adenomatous polyposis 4. Last evaluated: 2026-01-29. Review status: criteria provided, single submitter. Criteria: Myriad Autosomal Dominant, Autosomal Recessive and X-Linked Classification Criteria (2023). Collection method: clinical testing. Allele origin: unknown.
Comment: This variant is considered pathogenic. This variant creates a frameshift predicted to result in premature protein truncation.

Labcorp Genetics (formerly Invitae), Labcorp
Classification: Pathogenic. Last evaluated: 2025-09-27. Review status: criteria provided, single submitter. Criteria: Invitae Variant Classification Sherloc (09022015). Collection method: clinical testing. Allele origin: germline.
Comment: This sequence change creates a premature translational stop signal (p.Arg734Thrfs*34) in the MSH3 gene. It is expected to result in an absent or disrupted protein product. Loss-of-function variants in MSH3 are known to be pathogenic (PMID: 27476653, 37402566). This variant is not present in population databases (gnomAD no frequency). This variant has not been reported in the literature in individuals affected with MSH3-related conditions. For these reasons, this variant has been classified as Pathogenic.

Literature cited by the submitters: PubMed 27476653 (cited by Labcorp Genetics (formerly Invitae), Labcorp); PubMed 37402566 (cited by Labcorp Genetics (formerly Invitae), Labcorp).